The following is an entry in ClinVar:

NM_001369.3(DNAH5):c.11942A>C (p.Glu3981Ala)

Gene: DNAH5 (dynein axonemal heavy chain 5; minus strand). Cytogenetic location: 5p15.2.
Variant type: single nucleotide variant.
Coding change: c.11942A>C on transcript NM_001369.3 (MANE Select); coding-DNA position 11942, A replaced by C.
Protein change: p.Glu3981Ala; replaces glutamic acid 3981 with alanine.
Molecular consequence: missense variant.
Genome position (GRCh38, 1-based): chr5:13,727,598, T>G on the plus strand (A>C on the coding strand, the complement: DNAH5 is on the minus strand). VCF-style: chr5-13727598-T-G. GRCh37 (hg19) VCF-style: chr5-13727707-T-G.
Other names: short protein forms E3981A.
Identifiers: ClinVar variation 3272848 (VCV003272848.1).

ClinVar aggregate classification (germline): Uncertain significance (1 of 4 stars; one submission).

Conditions:
Primary ciliary dyskinesia. Also called: Ciliary dyskinesia. Identifiers: Orphanet 244, MedGen C0008780, MONDO:0016575, HP:0012265.

gnomAD v4.1: 9 of 1,613,752 alleles (0.00056%); highest among the groups gnomAD compares: East Asian, 0.02%; no homozygotes.

Submission:

Ambry Genetics
Classification: Uncertain significance for Primary ciliary dyskinesia. Last evaluated: 2024-03-16. Review status: criteria provided, single submitter. Criteria: Ambry Variant Classification Scheme 2023. Collection method: clinical testing. Allele origin: germline.
Comment: The p.E3981A variant (also known as c.11942A>C), located in coding exon 70 of the DNAH5 gene, results from an A to C substitution at nucleotide position 11942. The glutamic acid at codon 3981 is replaced by alanine, an amino acid with dissimilar properties. This amino acid position is conserved. In addition, this alteration is predicted to be tolerated by in silico analysis. Based on the available evidence, the clinical significance of this alteration remains unclear.